The following is an entry in ClinVar:

ClinVar aggregate classification (germline): Uncertain significance. Review status: criteria provided, multiple submitters, no conflicts (2 of 4 stars). 3 submissions from 3 submitters: Uncertain significance (3). Last evaluated 2026-03-03.

Conditions:
Inherited obesity. Also called: Monogenic Obesity. Identifiers: Orphanet 77828, MedGen C4054476, MONDO:0019182, OMIM 601665.
NR0B2-related disorder. Also called: NR0B2-related condition.

Allele frequency attached by ClinVar (database versions not stated): gnomAD 0.00001; TOPMed 0.00001.
gnomAD v4.1: 14 of 1,614,094 alleles (0.00087%); highest among the groups gnomAD compares: Admixed American, 0.022%; no homozygotes.

Submissions (3):

PreventionGenetics, part of Exact Sciences
Classification: Uncertain significance for NR0B2-related condition. Last evaluated: 2026-03-03. Review status: criteria provided, single submitter. Criteria: ACMG Guidelines, 2015. Collection method: clinical testing. Allele origin: germline.
Comment: The NR0B2 c.749T>C variant is predicted to result in the amino acid substitution p.Leu250Pro. To our knowledge, this variant has not been reported in the literature. This variant is reported in 0.017% of alleles in individuals of Latino descent in gnomAD. At this time, the clinical significance of this variant is uncertain due to the absence of conclusive functional and genetic evidence.

Labcorp Genetics (formerly Invitae), Labcorp
Classification: Uncertain significance. Last evaluated: 2023-10-22. Review status: criteria provided, single submitter. Criteria: Invitae Variant Classification Sherloc (09022015). Collection method: clinical testing. Allele origin: germline.
Comment: This sequence change replaces leucine, which is neutral and non-polar, with proline, which is neutral and non-polar, at codon 250 of the NR0B2 protein (p.Leu250Pro). This variant is present in population databases (no rsID available, gnomAD 0.01%). This variant has not been reported in the literature in individuals affected with NR0B2-related conditions. Advanced modeling of protein sequence and biophysical properties (such as structural, functional, and spatial information, amino acid conservation, physicochemical variation, residue mobility, and thermodynamic stability) performed at Invitae indicates that this missense variant is expected to disrupt NR0B2 protein function. In summary, the available evidence is currently insufficient to determine the role of this variant in disease. Therefore, it has been classified as a Variant of Uncertain Significance.

New York Genome Center
Classification: Uncertain significance for Inherited obesity. Last evaluated: 2023-07-13. Review status: criteria provided, single submitter. Criteria: NYGC Assertion Criteria 2020. Collection method: clinical testing. Allele origin: germline. Observed: 1 heterozygote.
Comment: The c.749T>C p.(Leu250Pro) variant identified in the NR0B2 gene has not previously been reported in ClinVar or in any patient in the literature. It is observed in 9 alleles in population databases (~0.002% MAF with 0 homozytoe in gnomAD v2.1.1 and v3.1.2, TOPMed Freeze 8), suggesting that it is not a common benign variant in the populations represented in that database. The c.749T>C variant is located in exon 2 of this 2-exon gene and is predicted to replace a leucine amino acid with proline at codon 250 of the NR0B2 protein [PMID: 20970497]. In silico predictions are in favor of the p.(Tyr166Cys) variant's effect [REVEL = 0.897]; however, there are no functional studies to support or refute these predictions. Based on available evidence this c.749T>C p.(Leu250Pro) variant identified in NR0B2 is classified as a Variant of Uncertain Significance.

NM_021969.3(NR0B2):c.749T>C (p.Leu250Pro)

Genes: NR0B2 (nuclear receptor subfamily 0 group B member 2; minus strand), NUDC (nuclear distribution C, dynein complex regulator; plus strand). Cytogenetic location: 1p36.11.
Variant type: single nucleotide variant.
Coding change: c.749T>C on transcript NM_021969.3 (MANE Select); coding-DNA position 749, T replaced by C.
Protein change: p.Leu250Pro; replaces leucine 250 with proline.
Molecular consequence: missense variant.
Genome position (GRCh38, 1-based): chr1:26,911,870, A>G on the plus strand (T>C on the coding strand, the complement: NR0B2 is on the minus strand). VCF-style: chr1-26911870-A-G. GRCh37 (hg19) VCF-style: chr1-27238361-A-G.
Other names: c.749T>C (NM_021969.2); short protein forms L250P.
Identifiers: ClinVar variation 2665087 (VCV002665087.7), dbSNP rs1258917303, ClinGen allele CA339187781.